The following is an entry in ClinVar:

ClinVar aggregate classification (germline): Uncertain significance (1 of 4 stars; one submission).

Conditions:
Inborn genetic diseases. Identifiers: MedGen C0950123, MeSH D030342.

Submission:

Ambry Genetics
Classification: Uncertain significance for Inborn genetic diseases. Last evaluated: 2025-10-01. Review status: criteria provided, single submitter. Criteria: Ambry Variant Classification Scheme 2023. Collection method: clinical testing. Allele origin: germline.
Comment: The p.G951S variant (also known as c.2851G>A), located in coding exon 12 of the BMPR2 gene, results from a G to A substitution at nucleotide position 2851. The glycine at codon 951 is replaced by serine, an amino acid with similar properties. This amino acid position is conserved. In addition, this alteration is predicted to be tolerated by in silico analysis. Based on the available evidence, the clinical significance of this variant remains unclear.

NM_001204.7(BMPR2):c.2851G>A (p.Gly951Ser)

Gene: BMPR2 (bone morphogenetic protein receptor type 2; plus strand). Cytogenetic location: 2q33.2.
Variant type: single nucleotide variant.
Coding change: c.2851G>A on transcript NM_001204.7 (MANE Select); coding-DNA position 2851, G replaced by A.
Protein change: p.Gly951Ser; replaces glycine 951 with serine.
Molecular consequence: missense variant.
Genome position (GRCh38, 1-based): chr2:202,556,516, G>A. VCF-style: chr2-202556516-G-A. GRCh37 (hg19) VCF-style: chr2-203421239-G-A.
Other names: short protein forms G951S.
Identifiers: ClinVar variation 4597172 (VCV004597172.1).